The following is an entry in ClinVar:

ClinVar aggregate classification (germline): Uncertain significance (1 of 4 stars; one submission).

Conditions:
Cardiovascular phenotype. Identifiers: MedGen CN230736.

Submission:

Ambry Genetics
Classification: Uncertain significance for Cardiovascular phenotype. Last evaluated: 2025-06-28. Review status: criteria provided, single submitter. Criteria: Ambry Variant Classification Scheme 2023. Collection method: clinical testing. Allele origin: germline.
Comment: The p.S44N variant (also known as c.131G>A), located in coding exon 1 of the CBL gene, results from a G to A substitution at nucleotide position 131. The serine at codon 44 is replaced by asparagine, an amino acid with highly similar properties. This amino acid position is conserved. In addition, this alteration is predicted to be tolerated by in silico analysis. Based on the available evidence, the clinical significance of this variant remains unclear.

NM_005188.4(CBL):c.131G>A (p.Ser44Asn)

Genes: CBL (Cbl proto-oncogene; plus strand), LOC130006895 (ATAC-STARR-seq lymphoblastoid silent region 3975; plus strand). Cytogenetic location: 11q23.3.
Variant type: single nucleotide variant.
Coding change: c.131G>A on transcript NM_005188.4 (MANE Select); coding-DNA position 131, G replaced by A.
Protein change: p.Ser44Asn; replaces serine 44 with asparagine.
Molecular consequence: missense variant.
Genome position (GRCh38, 1-based): chr11:119,206,548, G>A. VCF-style: chr11-119206548-G-A. GRCh37 (hg19) VCF-style: chr11-119077258-G-A.
Other names: short protein forms S44N.
Identifiers: ClinVar variation 4219849 (VCV004219849.1).